The following is an entry in ClinVar:

ClinVar aggregate classification (germline): Conflicting classifications of pathogenicity. Review status: criteria provided, conflicting classifications (1 of 4 stars). 8 submissions from 8 submitters: Uncertain significance (2); Likely benign (5). 1 of the submissions does not count toward it. Last evaluated 2026-06-09.

Conditions:
COL12A1-related disorder. Also called: COL12A1-related condition.
Inborn genetic diseases. Identifiers: MedGen C0950123, MeSH D030342.
Bethlem myopathy 2 (BTHLM2). Identifiers: Orphanet 536516, Orphanet 610, MedGen C4225313, MONDO:0034022, OMIM 616471.
Ullrich congenital muscular dystrophy 2 (UCMD2). Identifiers: Orphanet 75840, MedGen C4225314, MONDO:0014654, OMIM 616470.

Allele frequency attached by ClinVar (database versions not stated): 1000 Genomes Project 0.00020; gnomAD exomes 0.00028 and 0.00047; 1000 Genomes Project 30x 0.00031; gnomAD 0.00033 and 0.00035; ExAC 0.00044; TOPMed 0.00048; ESP Exome Variant Server 0.00050.
gnomAD v4.1: 479 of 1,614,166 alleles (0.03%); highest among the groups gnomAD compares: Admixed American, 0.15%; no homozygotes.

Submissions (8):

Women's Health and Genetics/Laboratory Corporation of America, LabCorp
Classification: Likely benign. Last evaluated: 2026-06-09. Review status: criteria provided, single submitter. Criteria: LabCorp Variant Classification Summary - May 2015. Collection method: clinical testing. Allele origin: germline.
Comment: Variant summary: COL12A1 c.8639A>G (p.His2880Arg) results in a non-conservative amino acid change located in the Collagen triple helix repeat region (IPR008160) of the encoded protein sequence. Algorithms developed to predict the effect of missense changes on protein structure and function are either unavailable or do not agree on the potential impact of this missense change. The variant allele was found at a frequency of 0.00047 in 249442 control chromosomes. To our knowledge, no occurrence of c.8639A>G in individuals affected with COL12A1-related conditions and no experimental evidence demonstrating its impact on protein function have been reported. ClinVar contains an entry for this variant (Variation ID: 475905). Based on the evidence outlined above, the variant was classified as likely benign.

Labcorp Genetics (formerly Invitae), Labcorp
Classification: Likely benign for Bethlem myopathy 2; Ullrich congenital muscular dystrophy 2. Last evaluated: 2026-02-01. Review status: criteria provided, single submitter. Criteria: Invitae Variant Classification Sherloc (09022015). Collection method: clinical testing. Allele origin: germline.

CeGaT Center for Human Genetics Tuebingen
Classification: Uncertain significance. Last evaluated: 2025-04-01. Review status: criteria provided, single submitter. Criteria: CeGaT Center For Human Genetics Tuebingen Variant Classification Criteria Version 2. Collection method: clinical testing. Allele origin: germline. Affected: yes. Observed: 1 variant allele.

Mayo Clinic Laboratories, Mayo Clinic
Classification: Likely benign. Last evaluated: 2025-02-12. Review status: criteria provided, single submitter. Criteria: ACMG Guidelines, 2015. Collection method: clinical testing. Allele origin: germline. Observed: 7 variant alleles.
Comment: BS1

Blueprint Genetics
Classification: Likely benign. Last evaluated: 2024-11-21. Review status: criteria provided, single submitter. Criteria: ACMG Guidelines, 2015. Collection method: clinical testing. Allele origin: germline.

Ambry Genetics
Classification: Uncertain significance for Inborn genetic diseases. Last evaluated: 2024-10-29. Review status: criteria provided, single submitter. Criteria: Ambry Variant Classification Scheme 2023. Collection method: clinical testing. Allele origin: germline.

GeneDx
Classification: Likely benign. Last evaluated: 2021-12-14. Review status: criteria provided, single submitter. Criteria: GeneDx Variant Classification Process June 2021. Collection method: clinical testing. Allele origin: germline. Affected: yes.
Comment: In silico analysis, which includes protein predictors and evolutionary conservation, supports that this variant does not alter protein structure/function; Has not been previously published as pathogenic or benign to our knowledge

PreventionGenetics, part of Exact Sciences
Classification: Likely benign for COL12A1-related condition. Last evaluated: 2022-02-23. Review status: no assertion criteria provided. Collection method: clinical testing. Allele origin: germline. Not counted in ClinVar's aggregate classification.
Comment: This variant is classified as likely benign based on ACMG/AMP sequence variant interpretation guidelines (Richards et al. 2015 PMID: 25741868, with internal and published modifications).

NM_004370.6(COL12A1):c.8639A>G (p.His2880Arg)

Gene: COL12A1 (collagen type XII alpha 1 chain; minus strand). Cytogenetic location: 6q13.
Variant type: single nucleotide variant.
Coding change: c.8639A>G on transcript NM_004370.6 (MANE Select); coding-DNA position 8639, A replaced by G.
Protein change: p.His2880Arg; replaces histidine 2880 with arginine.
Molecular consequence: missense variant.
Genome position (GRCh38, 1-based): chr6:75,095,118, T>C on the plus strand (A>G on the coding strand, the complement: COL12A1 is on the minus strand). VCF-style: chr6-75095118-T-C. GRCh37 (hg19) VCF-style: chr6-75804834-T-C.
Other names: p.His2880Arg; c.5147A>G, p.His1716Arg (NM_080645.3); short protein forms H2880R, H1716R.
Identifiers: ClinVar variation 475905 (VCV000475905.31), dbSNP rs185171880, ClinGen allele CA3892185.